The following is an entry in ClinVar:

ClinVar aggregate classification (germline): Uncertain significance (1 of 4 stars; one submission).

Conditions:
Epidermodysplasia verruciformis. Identifiers: Orphanet 302, MedGen C0014522, MONDO:0009176.

Allele frequency attached by ClinVar (database versions not stated): TOPMed below 0.00001; gnomAD exomes 0.00001 and 0.00002.
gnomAD v4.1: 6 of 1,592,546 alleles (0.00038%); highest among the groups gnomAD compares: Admixed American, 0.01%; no homozygotes.

Submission:

Labcorp Genetics (formerly Invitae), Labcorp
Classification: Uncertain significance for Epidermodysplasia verruciformis. Last evaluated: 2022-08-09. Review status: criteria provided, single submitter. Criteria: Invitae Variant Classification Sherloc (09022015). Collection method: clinical testing. Allele origin: germline.
Comment: This sequence change replaces threonine, which is neutral and polar, with asparagine, which is neutral and polar, at codon 184 of the TMC6 protein (p.Thr184Asn). The frequency data for this variant in the population databases is considered unreliable, as metrics indicate poor data quality at this position in the gnomAD database. This variant has not been reported in the literature in individuals affected with TMC6-related conditions. ClinVar contains an entry for this variant (Variation ID: 1447000). Algorithms developed to predict the effect of missense changes on protein structure and function are either unavailable or do not agree on the potential impact of this missense change (SIFT: "Not Available"; PolyPhen-2: "Benign"; Align-GVGD: "Not Available"). In summary, the available evidence is currently insufficient to determine the role of this variant in disease. Therefore, it has been classified as a Variant of Uncertain Significance.

NM_001127198.5(TMC6):c.551C>A (p.Thr184Asn)

Genes: TMC6 (transmembrane channel like 6; minus strand), LOC130061786 (ATAC-STARR-seq lymphoblastoid silent region 9039; plus strand). Cytogenetic location: 17q25.3.
Variant type: single nucleotide variant.
Coding change: c.551C>A on transcript NM_001127198.5 (MANE Select); coding-DNA position 551, C replaced by A.
Protein change: p.Thr184Asn; replaces threonine 184 with asparagine.
Molecular consequence: missense variant. On other transcripts: non-coding transcript variant (3).
Genome position (GRCh38, 1-based): chr17:78,124,971, G>T on the plus strand (C>A on the coding strand, the complement: TMC6 is on the minus strand). VCF-style: chr17-78124971-G-T. GRCh37 (hg19) VCF-style: chr17-76121052-G-T.
Other names: c.551C>A, p.Thr184Asn (NM_001374594.1, NM_001374596.1, NM_001375353.1 and 4 more transcripts); short protein forms T184N.
Identifiers: ClinVar variation 1447000 (VCV001447000.3), dbSNP rs1184836790, ClinGen allele CA401233731.
Genomic context (GRCh38, chr17:78,124,971, plus strand): 5'-CGGCCACAGCAGGAGCAGACCCCGCCGCTGCCCGGCTGGCCCCTCCACTTCCCCCTCGGG[G>T]TCCTGCTCTTCTCTCTGGGGACAGAGGCAGCCATAGGTGCCTGGACCAATGAGGGGCCTG-3'
Protein context (NP_001120670.1, residues 174-194): EKRSLREKSR[Thr184Asn]PRGKWRGQPG